The following is an entry in ClinVar:

ClinVar aggregate classification (germline): Pathogenic; drug response. Review status: reviewed by expert panel (3 of 4 stars). 14 submissions from 13 submitters: Pathogenic (1). 12 of the submissions do not count toward it. Last evaluated 2021-03-24.

Conditions:
CFTR-related disorder (CFTR-RD). Also called: CFTR-related condition; CFTR-related disorders. Identifiers: MedGen C5924204, MONDO:7770004.
Congenital bilateral aplasia of vas deferens from CFTR mutation (CBAVD). Identifiers: Orphanet 48, MedGen C0403814, MONDO:0010178, OMIM 277180. Disease mechanism: loss of function.
Cystic fibrosis (CF). Also called: MUCOVISCIDOSIS. Identifiers: Orphanet 586, MedGen C0010674, MONDO:0009061, OMIM 219700. Disease mechanism: loss of function.
Bronchiectasis with or without elevated sweat chloride 1 (BESC1). Also called: Cystic Fibrosis-Like Syndrome. Identifiers: Orphanet 60033, MedGen C2749757, MONDO:0008887, OMIM 211400.
Hereditary pancreatitis (PCTT). Also called: PRSS1-Related Hereditary Pancreatitis; Hereditary chronic pancreatitis. Identifiers: Orphanet 676, MedGen C0238339, MONDO:0008185, OMIM 167800.
ivacaftor response - Efficacy. Identifiers: MedGen CN322735.

Allele frequency attached by ClinVar (database versions not stated): ExAC 0.00002; gnomAD exomes 0.00001; gnomAD 0.00001; TOPMed below 0.00001.
gnomAD v4.1: 8 of 1,613,606 alleles (0.0005%); highest among the groups gnomAD compares: Admixed American, 0.0033%; no homozygotes.

Submissions (14):

ClinPGx
Classification: drug response for ivacaftor response - Efficacy. Last evaluated: 2021-03-24. Review status: reviewed by expert panel. Criteria: Pharmacogenomics knowledge for personalized medicine. Collection method: curation. Allele origin: germline. Affected: yes.
Comment: PharmGKB Level of Evidence 1A: Level 1A clinical annotations describe variant-drug combinations that have variant-specific prescribing guidance available in a current clinical guideline annotation or an FDA-approved drug label annotation. Annotations of drug labels or clinical guidelines must give prescribing guidance for specific variants (e.g. CYP2C9*3, HLA-B*57:01) or provide mapping from defined allele functions to diplotypes and phenotypes to be used as supporting evidence for a level 1A clinical annotation. Level 1A clinical annotations must also be supported by at least one publication in addition to a clinical guideline or drug label with variant-specific prescribing guidance.

Drug is not necessarily used to treat response condition

CFTR2
Classification: Pathogenic for Cystic fibrosis. Last evaluated: 2017-03-17. Review status: reviewed by expert panel. Criteria: Sosnay PR et al. (Nat Genet 2013). Collection method: research. Allele origin: germline. Affected: yes. Study: CFTR2.

Labcorp Genetics (formerly Invitae), Labcorp
Classification: Pathogenic for Cystic fibrosis. Last evaluated: 2025-12-22. Review status: criteria provided, single submitter. Criteria: Invitae Variant Classification Sherloc (09022015). Collection method: clinical testing. Allele origin: germline. Not counted in ClinVar's aggregate classification.
Comment: This sequence change replaces glycine, which is neutral and non-polar, with glutamic acid, which is acidic and polar, at codon 1244 of the CFTR protein (p.Gly1244Glu). This variant is present in population databases (rs267606723, gnomAD 0.002%). This missense change has been observed in individuals with cystic fibrosis and congenital absence of the vas deferens (PMID: 10636451, 10923036, 21520337, 22020151, 23974870). ClinVar contains an entry for this variant (Variation ID: 53797). Invitae Evidence Modeling of protein sequence and biophysical properties (such as structural, functional, and spatial information, amino acid conservation, physicochemical variation, residue mobility, and thermodynamic stability) indicates that this missense variant is expected to disrupt CFTR protein function with a positive predictive value of 80%. Experimental studies have shown that this missense change affects CFTR function (PMID: 11242048, 23974870). For these reasons, this variant has been classified as Pathogenic.

Natera, Inc.
Classification: Pathogenic for CFTR-related disorders. Last evaluated: 2025-11-10. Review status: criteria provided, single submitter. Criteria: Natera Variant Classification Schema (03/2026). Collection method: clinical testing. Allele origin: germline. Not counted in ClinVar's aggregate classification.
Comment: The c.3731G>A variant in CFTR is a missense variant predicted to cause substitution of glycine to glutamic acid at amino acid 1244. This variant is rare in the general population with a frequency below the threshold expected for the associated phenotype(s). This variant has been observed in one or more individuals affected with the associated recessive disease, as either homozygous or compound heterozygous with a second variant (PMID: 23687349, 27659740). Additionally, this variant has been observed to segregate in affected family members (PMID: 27659740). Given the available evidence, this variant is classified as Pathogenic.

Revvity Omics, Revvity
Classification: Pathogenic. Last evaluated: 2024-11-15. Review status: criteria provided, single submitter. Criteria: ACMG Guidelines, 2015. Collection method: clinical testing. Allele origin: germline. Not counted in ClinVar's aggregate classification.

Baylor Genetics
Classification: Pathogenic for Bronchiectasis with or without elevated sweat chloride 1. Last evaluated: 2024-03-23. Review status: criteria provided, single submitter. Criteria: ACMG Guidelines, 2015. Collection method: clinical testing. Allele origin: unknown. Not counted in ClinVar's aggregate classification.

Mendelics
Classification: Pathogenic for Hereditary pancreatitis. Last evaluated: 2022-05-04. Review status: criteria provided, single submitter. Criteria: Mendelics Assertion Criteria 2019. Collection method: clinical testing. Allele origin: germline. Not counted in ClinVar's aggregate classification.

Ambry Genetics
Classification: Pathogenic for Cystic fibrosis. Last evaluated: 2021-04-30. Review status: criteria provided, single submitter. Criteria: Ambry Variant Classification Scheme 2023. Collection method: clinical testing. Allele origin: germline. Not counted in ClinVar's aggregate classification.
Comment: The p.G1244E pathogenic mutation (also known as c.3731G>A), located in coding exon 23 of the CFTR gene, results from a G to A substitution at nucleotide position 3731. The glycine at codon 1244 is replaced by glutamic acid, an amino acid with similar properties. This mutation was first described in a clinically affected individual with elevated sweat chloride levels and pancreatic insufficiency in conjunction with p.F508del (Devoto M et al. Am. J. Hum. Genet., 1991 Jun;48:1127-32). In another study, this mutation was identified in an individual with elevated sweat chloride levels, pancreatic insufficiency, and gastrointestinal and pulmonary symptoms of classic cystic fibrosis in conjunction with a frameshift alteration on the other chromosome (Kilin&ccedil; MO et al. J. Med. Genet., 2000 Apr;37:307-9). This mutation was detected as homozygous in an individual with elevated sweat chloride levels and an overall clinical presentation consistent with cystic fibrosis (Petrova NV et al. Clin Genet, 2019 03;95:444-447). This mutation is typically associated with elevated sweat chloride levels, pancreatic insufficiency, and pulmonary symptoms (Sosnay PR et al. Nat Genet. 2013;45(10):1160-7). Functional analyses demonstrate that this mutation significantly reduces protein activity (Anderson MP et al. Science, 1992 Sep;257:1701-4; Choi JY et al. Nature, 2001 Mar;410:94-7; Sosnay PR et al. Nat. Genet., 2013 Oct;45:1160-7). This variant is considered to be rare based on population cohorts in the Genome Aggregation Database (gnomAD). Based on the supporting evidence, this alteration is interpreted as a disease-causing mutation.

Fulgent Genetics
Classification: Pathogenic for Hereditary pancreatitis; Bronchiectasis with or without elevated sweat chloride 1; Cystic fibrosis; Congenital bilateral aplasia of vas deferens from CFTR mutation. Last evaluated: 2018-10-31. Review status: criteria provided, single submitter. Criteria: ACMG Guidelines, 2015. Collection method: clinical testing. Allele origin: unknown. Not counted in ClinVar's aggregate classification.

CFTR-France
Classification: Pathogenic for cystic fibrosis. Last evaluated: 2018-01-29. Review status: criteria provided, single submitter. Criteria: Claustres M et al. (Hum Mutat 2017). Collection method: curation. Allele origin: germline. Affected: yes. Not counted in ClinVar's aggregate classification.

Women's Health and Genetics/Laboratory Corporation of America, LabCorp
Classification: Pathogenic for Cystic fibrosis. Last evaluated: 2016-03-31. Review status: criteria provided, single submitter. Criteria: LabCorp Variant Classification Summary - May 2015. Collection method: clinical testing. Allele origin: germline. Not counted in ClinVar's aggregate classification.
Comment: Variant summary: The CFTR c.3731G>A variant affects a conserved nucleotide, resulting in amino acid change from Gly to Glu. 5/5 in-silico tools predict a damaging outcome for this variant, and G1244E has been shown to drastically reduce chloride channel activity and HCO3- transport by in vitro studies (Anderson et al 1992, Choi et al 2001, Yu et al 2012, and Sosnay et al 2013). This variant was found in 2/121206 control chromosomes at a frequency of 0.0000165, which does not exceed maximal expected frequency of a pathogenic CFTR allele (0.0129603). In addition, the CFTR2 database and several independent publications consider the variant pathogenic/CF-causing. Taken together, this variant was classified as pathogenic.

Baylor Genetics
Classification: Pathogenic for Congenital bilateral aplasia of vas deferens from CFTR mutation; Cystic fibrosis. Review status: criteria provided, single submitter. Criteria: ACMG Guidelines, 2015. Collection method: clinical testing. Allele origin: germline. Not counted in ClinVar's aggregate classification.

PreventionGenetics, part of Exact Sciences
Classification: Pathogenic for CFTR-related condition. Last evaluated: 2024-02-16. Review status: no assertion criteria provided. Collection method: clinical testing. Allele origin: germline. Not counted in ClinVar's aggregate classification.
Comment: The CFTR c.3731G>A variant is predicted to result in the amino acid substitution p.Gly1244Glu. This variant has been reported in the homozygous or compound heterozygous state in individuals with cystic fibrosis (see, for example, Devoto et al. 1991. PubMed ID: 1709778; D'Apice et al. 2004. PubMed ID: 15614862; Mesbahi et al. 2016. PubMed ID: 27659740). It has also been detected in individuals with congenital bilateral absence of vas deferens (Supporting Table S5, Steiner et al. 2011. PubMed ID: 21520337). In vitro functional studies suggest this variant impacts protein function (Choi et al. 2001. PubMed ID: 11242048; Sosnay et al. 2013. PubMed ID: 23974870). In addition, alternative nucleotide changes affecting the same amino acid (p.Gly1244Arg, p.Gly1244Val) have also been reported in individuals with cystic fibrosis (Lucarelli et al. 2015. PubMed ID: 25910067; Ziętkiewicz et al. 2014. PubMed ID: 24586523; Savov et al. 1994. PubMed ID: 7516777). This variant is reported in 0.0018% of alleles in individuals of European (non-Finnish) descent in gnomAD. This variant is interpreted as pathogenic.

Counsyl
Classification: Pathogenic for Cystic fibrosis. Last evaluated: 2015-03-16. Review status: no assertion criteria provided. Collection method: clinical testing. Allele origin: unknown. Not counted in ClinVar's aggregate classification.

Literature cited by the submitters: PubMed 22293084 (cited by 3 submitters); PubMed 25266159 (cited by ClinPGx); PubMed 10636451 (cited by Labcorp Genetics (formerly Invitae), Labcorp); PubMed 10923036 (cited by Labcorp Genetics (formerly Invitae), Labcorp); PubMed 21520337 (cited by Labcorp Genetics (formerly Invitae), Labcorp); PubMed 22020151 (cited by Labcorp Genetics (formerly Invitae), Labcorp); PubMed 23974870 (cited by 4 submitters); PubMed 11242048 (cited by 3 submitters); PubMed 23687349 (cited by Natera, Inc.); PubMed 27659740 (cited by Natera, Inc.); PubMed 10819640 (cited by Ambry Genetics); PubMed 1382316 (cited by Ambry Genetics and Women's Health and Genetics/Laboratory Corporation of America, LabCorp); PubMed 1709778 (cited by 3 submitters); PubMed 30548586 (cited by Ambry Genetics); PubMed 15948195 (cited by Women's Health and Genetics/Laboratory Corporation of America, LabCorp); PubMed 25910067 (cited by Women's Health and Genetics/Laboratory Corporation of America, LabCorp); PubMed 10388469 (cited by Women's Health and Genetics/Laboratory Corporation of America, LabCorp); PubMed 11448786 (cited by Women's Health and Genetics/Laboratory Corporation of America, LabCorp); PubMed 24440181 (cited by Women's Health and Genetics/Laboratory Corporation of America, LabCorp); PubMed 15638824 (cited by Women's Health and Genetics/Laboratory Corporation of America, LabCorp).

NM_000492.4(CFTR):c.3731G>A (p.Gly1244Glu)

Genes: CFTR (CF transmembrane conductance regulator; plus strand), CFTR-AS2 (CFTR antisense RNA 2; minus strand). Cytogenetic location: 7q31.2.
Variant type: single nucleotide variant.
Coding change: c.3731G>A on transcript NM_000492.4 (MANE Select); coding-DNA position 3731, G replaced by A.
Protein change: p.Gly1244Glu; replaces glycine 1244 with glutamic acid.
Molecular consequence: missense variant.
Genome position (GRCh38, 1-based): chr7:117,642,451, G>A. VCF-style: chr7-117642451-G-A. GRCh37 (hg19) VCF-style: chr7-117282505-G-A.
Other names: short protein forms G1244E.
Identifiers: ClinVar variation 53797 (VCV000053797.26), dbSNP rs267606723, ClinGen allele CA328120.
Genomic context (GRCh38, chr7:117,642,451, plus strand): 5'-TGGTACCTATATGTCACAGAAGTGATCCCATCACTTTTACCTTATAGGTGGGCCTCTTGG[G>A]AAGAACTGGATCAGGGAAGAGTACTTTGTTATCAGCTTTTTTGAGACTACTGAACACTGA-3'
Protein context (NP_000483.3, residues 1234-1254): ISPGQRVGLL[Gly1244Glu]RTGSGKSTLL